The following is an entry in ClinVar:

ClinVar aggregate classification (germline): Benign. Review status: criteria provided, single submitter (1 of 4 stars). 2 submissions from 2 submitters: Benign (1). 1 of the submissions does not count toward it. Last evaluated 2023-06-02.

Conditions:
DNAJC13-related disorder. Also called: DNAJC13-related condition.

Allele frequency attached by ClinVar (database versions not stated): gnomAD 0.02104; ESP Exome Variant Server 0.02107; 1000 Genomes Project 0.01278; TOPMed 0.01960; 1000 Genomes Project 30x 0.01218; ExAC 0.01769.
gnomAD v4.1: 28,963 of 1,613,848 alleles (1.8%); highest among the groups gnomAD compares: African/African-American, 2.8%; 338 homozygotes.

Submissions (2):

Mayo Clinic Laboratories, Mayo Clinic
Classification: Benign. Last evaluated: 2023-06-02. Review status: criteria provided, single submitter. Criteria: ACMG Guidelines, 2015. Collection method: clinical testing. Allele origin: germline. Observed: 20 variant alleles.
Comment: BS1, BS2

PreventionGenetics, part of Exact Sciences
Classification: Benign for DNAJC13-related condition. Last evaluated: 2019-03-05. Review status: no assertion criteria provided. Collection method: clinical testing. Allele origin: germline. Not counted in ClinVar's aggregate classification.
Comment: This variant is classified as benign based on ACMG/AMP sequence variant interpretation guidelines (Richards et al. 2015 PMID: 25741868, with internal and published modifications).

NM_015268.4(DNAJC13):c.4262C>T (p.Ala1421Val)

Gene: DNAJC13 (DnaJ heat shock protein family (Hsp40) member C13; plus strand). Cytogenetic location: 3q22.1.
Variant type: single nucleotide variant.
Coding change: c.4262C>T on transcript NM_015268.4 (MANE Select); coding-DNA position 4262, C replaced by T.
Protein change: p.Ala1421Val; replaces alanine 1421 with valine.
Molecular consequence: missense variant.
Genome position (GRCh38, 1-based): chr3:132,499,231, C>T. VCF-style: chr3-132499231-C-T. GRCh37 (hg19) VCF-style: chr3-132218075-C-T.
Other names: p.Ala1421Val; c.4277C>T, p.Ala1426Val (NM_001329126.2); short protein forms A1421V, A1426V.
Identifiers: ClinVar variation 3055999 (VCV003055999.3), dbSNP rs61748102, ClinGen allele CA2619496.